The following is an entry in ClinVar:

NC_000005.9:g.(?_149264323)_(149286961_?)dup

Gene: PDE6A (phosphodiesterase 6A; minus strand). Cytogenetic location: 5q32.
Variant type: Duplication.
Identifiers: ClinVar variation 3246446 (VCV003246446.1).

ClinVar aggregate classification (germline): Likely pathogenic (1 of 4 stars; one submission).

Submission:

Labcorp Genetics (formerly Invitae), Labcorp
Classification: Likely pathogenic. Last evaluated: 2022-12-18. Review status: criteria provided, single submitter. Criteria: Invitae Variant Classification Sherloc (09022015). Collection method: clinical testing. Allele origin: unknown.
Comment: In summary, the currently available evidence indicates that the variant is pathogenic, but additional data are needed to prove that conclusively. Therefore, this variant has been classified as Likely Pathogenic. This variant has not been reported in the literature in individuals affected with PDE6A-related conditions. This variant results in a copy number gain of the genomic region encompassing exon(s) 7-15 of the PDE6A gene. While the exact position of this variant cannot be determined from the data, sub-genic copy number gains are generally in tandem (PMID: 25640679). This variant is predicted to be out-of-frame, and may result in an absent or disrupted protein product. Loss-of-function variants in PDE6A are known to be pathogenic (PMID: 7493036, 22128245, 23847139).

Literature cited by the submitters: PubMed 25640679; PubMed 7493036; PubMed 22128245; PubMed 23847139.